The following is an entry in ClinVar:

ClinVar aggregate classification (germline): Likely pathogenic (0 of 4 stars; one submission).

Conditions:
Neuronal ceroid lipofuscinosis 2. Also called: TPP1-Related Neuronal Ceroid-Lipofuscinosis; JANSKY-BIELSCHOWSKY DISEASE NEURONAL CEROID LIPOFUSCINOSIS, LATE INFANTILE. Identifiers: Orphanet 168491, Orphanet 228349, Orphanet 79264, MedGen C1876161, MONDO:0008769, OMIM 204500.

Submission:

Foundation for Research in Genetics and Endocrinology, FRIGE's Institute of Human Genetics
Classification: Likely pathogenic for Neuronal ceroid lipofuscinosis 2. Last evaluated: 2015-10-17. Review status: no assertion criteria provided. Collection method: clinical testing. Allele origin: unknown. Inheritance: Autosomal recessive inheritance. Affected: yes. Observed: 1 variant allele, 1 homozygote.
Comment: Variant c.456G>C/ p.R152S [ENST00000299427] found to be pathogenic by online software including Mutation Taster, Polyphen2 and SIFT.

NM_000391.4(TPP1):c.456G>C (p.Arg152Ser)

Gene: TPP1 (tripeptidyl peptidase 1; minus strand). Cytogenetic location: 11p15.4.
Variant type: single nucleotide variant.
Coding change: c.456G>C on transcript NM_000391.4 (MANE Select); coding-DNA position 456, G replaced by C.
Protein change: p.Arg152Ser; replaces arginine 152 with serine.
Molecular consequence: missense variant.
Genome position (GRCh38, 1-based): chr11:6,617,353, C>G on the plus strand (G>C on the coding strand, the complement: TPP1 is on the minus strand). VCF-style: chr11-6617353-C-G. GRCh37 (hg19) VCF-style: chr11-6638584-C-G.
Other names: short protein forms R152S.
Identifiers: ClinVar variation 221282 (VCV000221282.2), dbSNP rs869025274, ClinGen allele CA351534.